The following is an entry in ClinVar:

ClinVar aggregate classification (germline): Uncertain significance (1 of 4 stars; one submission).

Conditions:
Nicolaides-Baraitser syndrome (NCBRS). Also called: Intellectual disability-sparse hair-brachydactyly syndrome; SMARCA2-Related Nicolaides-Baraitser Syndrome. Identifiers: Orphanet 3051, MedGen C1303073, MONDO:0011053, OMIM 601358.

Submission:

Victorian Clinical Genetics Services, Murdoch Childrens Research Institute
Classification: Uncertain significance for Nicolaides-Baraitser syndrome. Last evaluated: 2025-12-28. Review status: criteria provided, single submitter. Criteria: ACMG Guidelines, 2015. Collection method: clinical testing. Allele origin: germline. Affected: yes.
Comment: This variant is classified as VUS-3B. Evidence in support of pathogenic classification: Non-canonical splice site variant without proven consequence on splicing (no functional evidence available); Variant is absent from gnomAD (v2, v3 and v4); Additional information: This variant is heterozygous; This gene is associated with autosomal dominant disease; This variant has no previous evidence of pathogenicity; No published evidence of segregation with disease has been identified for this variant; No published functional evidence has been identified for this variant; No comparable splice site variants have previous evidence for pathogenicity; In silico prediction for abnormal splicing and nucleotide conservation are conflicting; The mechanism of disease for this gene is not clearly established. However, dominant negative is a likely mechanism (PMID: 22366787).

Literature cited by the submitters: PubMed 22366787.

NM_003070.5(SMARCA2):c.1173+3A>G

Gene: SMARCA2 (SWI/SNF related BAF chromatin remodeling complex subunit ATPase 2; plus strand). Cytogenetic location: 9p24.3.
Variant type: single nucleotide variant.
Coding change: c.1173+3A>G on transcript NM_003070.5 (MANE Select); 3 bases into the intron after coding-DNA position 1173, A replaced by G.
Molecular consequence: intron variant.
Genome position (GRCh38, 1-based): chr9:2,054,726, A>G. VCF-style: chr9-2054726-A-G. GRCh37 (hg19) VCF-style: chr9-2054726-A-G.
Other names: c.1173+3A>G (NM_139045.4, NM_001289397.2, NM_001289396.2).
Identifiers: ClinVar variation 4819035 (VCV004819035.1).
Genomic context (GRCh38, chr9:2,054,726, plus strand): 5'-AAGAACCAAAGCAACCGTGGAACTAAAAGCACTTCGGTTACTCAATTTCCAGCGTCAGGT[A>G]ATACATTTTCCCCAGTGAATCTGAGATGTAGGAAATAAATGTAATTGTTCCTAAAGTGTT-3'